The following is an entry in ClinVar:

ClinVar aggregate classification (germline): Uncertain significance (1 of 4 stars; one submission).

gnomAD v4.1: 2 of 1,613,562 alleles (0.00012%); highest among the groups gnomAD compares: African/African-American, 0.0013%; no homozygotes.

Submission:

Ambry Genetics
Classification: Uncertain significance. Last evaluated: 2022-03-27. Review status: criteria provided, single submitter. Criteria: Ambry Variant Classification Scheme 2023. Collection method: clinical testing. Allele origin: germline.
Comment: The p.V556I variant (also known as c.1666G>A), located in coding exon 15 of the RAD54L gene, results from a G to A substitution at nucleotide position 1666. The valine at codon 556 is replaced by isoleucine, an amino acid with highly similar properties. This amino acid position is conserved. In addition, the in silico prediction for this alteration is inconclusive. Since supporting evidence is limited at this time, the clinical significance of this alteration remains unclear.

NM_003579.4(RAD54L):c.1666G>A (p.Val556Ile)

Gene: RAD54L (RAD54 like; plus strand). Cytogenetic location: 1p34.1.
Variant type: single nucleotide variant.
Coding change: c.1666G>A on transcript NM_003579.4 (MANE Select); coding-DNA position 1666, G replaced by A.
Protein change: p.Val556Ile; replaces valine 556 with isoleucine.
Molecular consequence: missense variant.
Genome position (GRCh38, 1-based): chr1:46,274,193, G>A. VCF-style: chr1-46274193-G-A. GRCh37 (hg19) VCF-style: chr1-46739865-G-A.
Other names: c.1666G>A, p.Val556Ile (NM_001142548.2); c.1126G>A, p.Val376Ile (NM_001370766.1); short protein forms V376I, V556I.
Identifiers: ClinVar variation 1777577 (VCV001777577.2), dbSNP rs995663660, ClinGen allele CA340183609.
Genomic context (GRCh38, chr1:46,274,193, plus strand): 5'-TTCAGGTACTTATACGTCCGCCTGGATGGCACGATGTCCATTAAGAAGCGAGCCAAGGTT[G>A]TAGAACGCTTCAATAGTCCATCGGTAAATGCACATCCCCGTCCCCACACCACCAATGCAG-3'
Protein context (NP_003570.2, residues 546-566): TMSIKKRAKV[Val556Ile]ERFNSPSSPD